The following is an entry in ClinVar:

NM_001267550.2(TTN):c.66200T>C (p.Ile22067Thr)

Genes: TTN (titin; minus strand), TTN-AS1 (TTN antisense RNA 1; plus strand). Cytogenetic location: 2q31.2.
Variant type: single nucleotide variant.
Coding change: c.66200T>C on transcript NM_001267550.2 (MANE Select); coding-DNA position 66200, T replaced by C.
Protein change: p.Ile22067Thr; replaces isoleucine 22067 with threonine.
Molecular consequence: missense variant.
Genome position (GRCh38, 1-based): chr2:178,582,169, A>G on the plus strand (T>C on the coding strand, the complement: TTN is on the minus strand). VCF-style: chr2-178582169-A-G. GRCh37 (hg19) VCF-style: chr2-179446896-A-G.
Other names: c.61277T>C, p.Ile20426Thr (NM_001256850.1); c.39005T>C, p.Ile13002Thr (NM_003319.4); c.58496T>C, p.Ile19499Thr (NM_133378.4); c.39380T>C, p.Ile13127Thr (NM_133432.3); c.39581T>C, p.Ile13194Thr (NM_133437.4); short protein forms I22067T, I13002T, I13127T, I19499T, I13194T, I20426T.
Identifiers: ClinVar variation 467387 (VCV000467387.6), dbSNP rs368042545, ClinGen allele CA1991554.

ClinVar aggregate classification (germline): Uncertain significance. Review status: criteria provided, multiple submitters, no conflicts (2 of 4 stars). 3 submissions from 3 submitters: Uncertain significance (3). Last evaluated 2022-01-11.

Conditions:
Autosomal recessive limb-girdle muscular dystrophy type 2J (LGMDR10). Also called: Limb-girdle muscular dystrophy, type 2J; MUSCULAR DYSTROPHY, LIMB-GIRDLE, AUTOSOMAL RECESSIVE 10. Identifiers: Orphanet 140922, MedGen C1837342, MONDO:0012127, OMIM 608807.
Dilated cardiomyopathy 1G (CMD1G). Identifiers: Orphanet 154, MedGen C1858763, MONDO:0011400, OMIM 604145.
Myopathy, myofibrillar, 9, with early respiratory failure (MFM9). Also called: EDSTROM MYOPATHY; MYOPATHY, PROXIMAL, WITH EARLY RESPIRATORY MUSCLE INVOLVEMENT; Hereditary myopathy with early respiratory failure; Myopathy, distal, with early respiratory failure, autosomal dominant. Identifiers: Orphanet 178464, Orphanet 34521, MedGen C1863599, MONDO:0011362, OMIM 603689.
Hypertrophic cardiomyopathy 9. Also called: Familial hypertrophic cardiomyopathy 9. Identifiers: MedGen C1861065, MONDO:0013412, OMIM 613765.
Early-onset myopathy with fatal cardiomyopathy (CMYO5). Also called: Salih Myopathy; CONGENITAL MYOPATHY 5 WITH CARDIOMYOPATHY. Identifiers: Orphanet 289377, MedGen C2673677, MONDO:0012714, OMIM 611705. Disease mechanism: loss of function.
Tibial muscular dystrophy (TMD). Also called: UDD MYOPATHY; Tibial muscular dystrophy, tardive; Udd Distal Myopathy – Tibial Muscular Dystrophy. Identifiers: Orphanet 609, MedGen C1838244, MONDO:0010870, OMIM 600334.

Allele frequency attached by ClinVar (database versions not stated): gnomAD 0.00001; gnomAD exomes 0.00001 and 0.00002; TOPMed 0.00001; ExAC 0.00002; ESP Exome Variant Server 0.00008.
gnomAD v4.1: 25 of 1,612,650 alleles (0.0016%); highest among the groups gnomAD compares: Non-Finnish European, 0.002%; no homozygotes.

Submissions (3):

Fulgent Genetics
Classification: Uncertain significance for Tibial muscular dystrophy; Myopathy, myofibrillar, 9, with early respiratory failure; Dilated cardiomyopathy 1G; Autosomal recessive limb-girdle muscular dystrophy type 2J; Early-onset myopathy with fatal cardiomyopathy; Hypertrophic cardiomyopathy 9. Last evaluated: 2022-01-11. Review status: criteria provided, single submitter. Criteria: ACMG Guidelines, 2015. Collection method: clinical testing. Allele origin: unknown.

GeneDx
Classification: Uncertain significance. Last evaluated: 2021-08-28. Review status: criteria provided, single submitter. Criteria: GeneDx Variant Classification Process June 2021. Collection method: clinical testing. Allele origin: germline. Affected: yes.
Comment: Not observed at significant frequency in large population cohorts (Lek et al., 2016); Missense variant in a gene in which most reported pathogenic variants are truncating/loss-of-function; Has not been previously published as pathogenic or benign to our knowledge

Labcorp Genetics (formerly Invitae), Labcorp
Classification: Uncertain significance for Dilated cardiomyopathy 1G; Autosomal recessive limb-girdle muscular dystrophy type 2J. Last evaluated: 2018-01-02. Review status: criteria provided, single submitter. Criteria: Invitae Variant Classification Sherloc (09022015). Collection method: clinical testing. Allele origin: germline.